The following is an entry in ClinVar:

ClinVar aggregate classification (germline): Pathogenic (1 of 4 stars; one submission).

Conditions:
Aortic aneurysm, familial thoracic 4 (AAT4). Also called: AORTIC ANEURYSM/AORTIC DISSECTION AND PATENT DUCTUS ARTERIOSUS. Identifiers: MedGen C1851504, MONDO:0007568, OMIM 132900.

Submission:

Labcorp Genetics (formerly Invitae), Labcorp
Classification: Pathogenic for Aortic aneurysm, familial thoracic 4. Last evaluated: 2019-07-26. Review status: criteria provided, single submitter. Criteria: Invitae Variant Classification Sherloc (09022015). Collection method: clinical testing. Allele origin: germline.
Comment: For these reasons, this variant has been classified as Pathogenic. Loss-of-function variants in MYH11 are known to be pathogenic (PMID: 25407000, 29575632). Isolated whole-gene deletions of MYH11 have not been reported in the literature. However, larger copy number events that include this gene have been reported (PMID: 27884122, 29179725, 22318994). A gross deletion of the genomic region encompassing the full coding sequence of the MYH11 gene has been identified. The boundaries of this event are unknown as the deletion extends beyond the assayed region for this gene and therefore may encompass additional genes.

Literature cited by the submitters: PubMed 25407000; PubMed 29575632; PubMed 27884122; PubMed 29179725; PubMed 22318994.

NC_000016.10:g.(?_15703981)_(15838262_?)del

Genes: MYH11 (myosin heavy chain 11; minus strand), NDE1 (nudE neurodevelopment protein 1; plus strand), LOC113939949 (Sharpr-MPRA regulatory region 5546; plus strand). Cytogenetic location: 16p13.11.
Variant type: Deletion.
Identifiers: ClinVar variation 656828 (VCV000656828.7).